The following is an entry in ClinVar:

NM_002691.4(POLD1):c.1391T>C (p.Leu464Pro)

Gene: POLD1 (DNA polymerase delta 1, catalytic subunit; plus strand). Cytogenetic location: 19q13.33.
Variant type: single nucleotide variant.
Coding change: c.1391T>C on transcript NM_002691.4 (MANE Select); coding-DNA position 1391, T replaced by C.
Protein change: p.Leu464Pro; replaces leucine 464 with proline.
Molecular consequence: missense variant. On other transcripts: non-coding transcript variant (1).
Genome position (GRCh38, 1-based): chr19:50,406,414, T>C. VCF-style: chr19-50406414-T-C. GRCh37 (hg19) VCF-style: chr19-50909671-T-C.
Other names: c.1391T>C, p.Leu464Pro (NM_001256849.1, NM_001308632.1); c.1391T>C (NM_002691.3); short protein forms L464P.
Identifiers: ClinVar variation 1771564 (VCV001771564.6), dbSNP rs2122325824, ClinGen allele CA406980024.
Genomic context (GRCh38, chr19:50,406,414, plus strand): 5'-CTTGGAAGGCCACTGCCCAGGCCCGCAGCCCACCAGCCCACCCACCCACCTAGGTGCTGC[T>C]GCGGGAGTACAAGCTCCGCTCCTACACGCTCAATGCCGTGAGCTTCCACTTCCTGGGCGA-3'
Protein context (NP_002682.2, residues 454-474): RVQMDMLQVL[Leu464Pro]REYKLRSYTL

ClinVar aggregate classification (germline): Uncertain significance. Review status: criteria provided, multiple submitters, no conflicts (2 of 4 stars). 3 submissions from 3 submitters: Uncertain significance (3). Last evaluated 2024-06-30.

Conditions:
POLD1-related polyposis and colorectal cancer syndrome (CRCS10). Also called: COLORECTAL CANCER, SUSCEPTIBILITY TO, ON CHROMOSOME 19q; Colorectal cancer 10; Colorectal cancer, susceptibility to, 10. Identifiers: Orphanet 220460, MedGen C2675481, MONDO:0012953, OMIM 612591.
Hereditary cancer-predisposing syndrome. Also called: Neoplastic Syndromes, Hereditary; Tumor predisposition; Hereditary neoplastic syndrome; Hereditary Cancer Syndrome. Identifiers: Orphanet 140162, MedGen C0027672, MeSH D009386, MONDO:0015356.

Submissions (3):

Labcorp Genetics (formerly Invitae), Labcorp
Classification: Uncertain significance for POLD1-related polyposis and colorectal cancer syndrome. Last evaluated: 2024-06-30. Review status: criteria provided, single submitter. Criteria: Invitae Variant Classification Sherloc (09022015). Collection method: clinical testing. Allele origin: germline.
Comment: This sequence change replaces leucine, which is neutral and non-polar, with proline, which is neutral and non-polar, at codon 464 of the POLD1 protein (p.Leu464Pro). This variant is not present in population databases (gnomAD no frequency). This variant has not been reported in the literature in individuals affected with POLD1-related conditions. ClinVar contains an entry for this variant (Variation ID: 1771564). Advanced modeling of protein sequence and biophysical properties (such as structural, functional, and spatial information, amino acid conservation, physicochemical variation, residue mobility, and thermodynamic stability) has been performed at Invitae for this missense variant, however the output from this modeling did not meet the statistical confidence thresholds required to predict the impact of this variant on POLD1 protein function. In summary, the available evidence is currently insufficient to determine the role of this variant in disease. Therefore, it has been classified as a Variant of Uncertain Significance.

GeneDx
Classification: Uncertain significance. Last evaluated: 2024-02-07. Review status: criteria provided, single submitter. Criteria: GeneDx Variant Classification Process June 2021. Collection method: clinical testing. Allele origin: germline. Affected: yes.
Comment: Not observed at significant frequency in large population cohorts (gnomAD); In silico analysis supports that this missense variant has a deleterious effect on protein structure/function; Has not been previously published as pathogenic or benign to our knowledge; This variant is associated with the following publications: (PMID: 20951805)

Ambry Genetics
Classification: Uncertain significance for Hereditary cancer-predisposing syndrome. Last evaluated: 2022-11-17. Review status: criteria provided, single submitter. Criteria: Ambry Variant Classification Scheme 2023. Collection method: clinical testing. Allele origin: germline.
Comment: The p.L464P variant (also known as c.1391T>C), located in coding exon 11 of the POLD1 gene, results from a T to C substitution at nucleotide position 1391. The leucine at codon 464 is replaced by proline, an amino acid with similar properties. This amino acid position is highly conserved in available vertebrate species. In addition, the in silico prediction for this alteration is inconclusive. Since supporting evidence is limited at this time, the clinical significance of this alteration remains unclear.